The following is an entry in ClinVar:

NM_001267550.2(TTN):c.18456T>C (p.His6152=)

Genes: TTN (titin; minus strand), LOC126806430 (BRD4-independent group 4 enhancer GRCh37_chr2:179593794-179594993; plus strand). Cytogenetic location: 2q31.2.
Variant type: single nucleotide variant.
Coding change: c.18456T>C on transcript NM_001267550.2 (MANE Select); coding-DNA position 18456, T replaced by C.
Protein change: p.His6152=; no amino-acid change (histidine 6152 retained).
Molecular consequence: synonymous variant. On other transcripts: intron variant (3).
Genome position (GRCh38, 1-based): chr2:178,729,797, A>G on the plus strand (T>C on the coding strand, the complement: TTN is on the minus strand). VCF-style: chr2-178729797-A-G. GRCh37 (hg19) VCF-style: chr2-179594524-A-G.
Other names: c.14724T>C, p.His4908= (NM_133378.4); c.17505T>C, p.His5835= (NM_001256850.1); c.13282+8285T>C (NM_003319.4); c.13858+8285T>C (NM_133437.4); c.13657+8285T>C (NM_133432.3).
Identifiers: ClinVar variation 228061 (VCV000228061.19), dbSNP rs756540833, ClinGen allele CA2001615.
Genomic context (GRCh38, chr2:178,729,797, plus strand): 5'-ATTTTCTACCCTGGCACCAGAAATCTGGAAAGTGGCTAAACCATCAATGAAGGAAATGCC[A>G]TGTTTCTGAATGGCTGTTATTTCATTCCCGTCTAGATACCAAGACACTCGGATTTTAGGA-3'
Protein context (NP_001254479.2, residues 6142-6162): DGNEITAIQK[His6152=]GISFIDGLAT

ClinVar aggregate classification (germline): Benign/Likely benign. Review status: criteria provided, multiple submitters, no conflicts (2 of 4 stars). 7 submissions from 4 submitters: Benign (5); Likely benign (2). Last evaluated 2026-02-01.

Conditions:
Myopathy, myofibrillar, 9, with early respiratory failure (MFM9). Also called: Hereditary myopathy with early respiratory failure; EDSTROM MYOPATHY; Myopathy, distal, with early respiratory failure, autosomal dominant; MYOPATHY, PROXIMAL, WITH EARLY RESPIRATORY MUSCLE INVOLVEMENT. Identifiers: Orphanet 178464, Orphanet 34521, MedGen C1863599, MONDO:0011362, OMIM 603689.
Autosomal recessive limb-girdle muscular dystrophy type 2J (LGMDR10). Also called: Limb-girdle muscular dystrophy, type 2J; MUSCULAR DYSTROPHY, LIMB-GIRDLE, AUTOSOMAL RECESSIVE 10. Identifiers: Orphanet 140922, MedGen C1837342, MONDO:0012127, OMIM 608807.
Tibial muscular dystrophy (TMD). Also called: Udd Distal Myopathy – Tibial Muscular Dystrophy; Tibial muscular dystrophy, tardive; UDD MYOPATHY. Identifiers: Orphanet 609, MedGen C1838244, MONDO:0010870, OMIM 600334.
Dilated cardiomyopathy 1G (CMD1G). Identifiers: Orphanet 154, MedGen C1858763, MONDO:0011400, OMIM 604145.
Early-onset myopathy with fatal cardiomyopathy (CMYO5). Also called: CONGENITAL MYOPATHY 5 WITH CARDIOMYOPATHY; Salih Myopathy. Identifiers: Orphanet 289377, MedGen C2673677, MONDO:0012714, OMIM 611705. Disease mechanism: loss of function.

Allele frequency attached by ClinVar (database versions not stated): gnomAD 0.00001 and 0.00003; TOPMed 0.00002; gnomAD exomes 0.00005 and 0.00011; ExAC 0.00014.
gnomAD v4.1: 75 of 1,613,602 alleles (0.0046%); highest among the groups gnomAD compares: South Asian, 0.076%; no homozygotes.

Submissions (7):

Labcorp Genetics (formerly Invitae), Labcorp
Classification: Benign for Dilated cardiomyopathy 1G; Autosomal recessive limb-girdle muscular dystrophy type 2J. Last evaluated: 2026-02-01. Review status: criteria provided, single submitter. Criteria: Invitae Variant Classification Sherloc (09022015). Collection method: clinical testing. Allele origin: germline.

Blueprint Genetics
Classification: Likely benign. Last evaluated: 2023-11-08. Review status: criteria provided, single submitter. Criteria: ACMG Guidelines, 2015. Collection method: clinical testing. Allele origin: germline.

Genome-Nilou Lab
Classification: Benign for Autosomal recessive limb-girdle muscular dystrophy type 2J. Last evaluated: 2021-09-10. Review status: criteria provided, single submitter. Criteria: ACMG Guidelines, 2015. Collection method: clinical testing. Allele origin: germline. Affected: no.

Genome-Nilou Lab
Classification: Benign for Myopathy, myofibrillar, 9, with early respiratory failure. Last evaluated: 2021-09-10. Review status: criteria provided, single submitter. Criteria: ACMG Guidelines, 2015. Collection method: clinical testing. Allele origin: germline. Affected: no.

Genome-Nilou Lab
Classification: Benign for Early-onset myopathy with fatal cardiomyopathy. Last evaluated: 2021-09-10. Review status: criteria provided, single submitter. Criteria: ACMG Guidelines, 2015. Collection method: clinical testing. Allele origin: germline. Affected: no.

Genome-Nilou Lab
Classification: Benign for Tibial muscular dystrophy. Last evaluated: 2021-09-10. Review status: criteria provided, single submitter. Criteria: ACMG Guidelines, 2015. Collection method: clinical testing. Allele origin: germline. Affected: no.

Laboratory for Molecular Medicine, Mass General Brigham Personalized Medicine
Classification: Likely benign. Last evaluated: 2015-06-11. Review status: criteria provided, single submitter. Criteria: LMM Criteria. Collection method: clinical testing. Allele origin: germline. Observed: 1 variant allele.
Comment: p.His4908His in exon 60 of TTN: This variant is not expected to have clinical si gnificance because it does not alter an amino acid residue and is not located wi thin the splice consensus sequence. It has been identified in 0.1% (17/16508) of South Asian chromosomes by the Exome Aggregation Consortium (ExAC.).